The following is an entry in ClinVar:

ClinVar aggregate classification (germline): Uncertain significance (1 of 4 stars; one submission).

Conditions:
Hereditary cancer-predisposing syndrome. Also called: Hereditary neoplastic syndrome; Neoplastic Syndromes, Hereditary; Hereditary Cancer Syndrome; Tumor predisposition. Identifiers: Orphanet 140162, MedGen C0027672, MeSH D009386, MONDO:0015356.

Submission:

Labcorp Genetics (formerly Invitae), Labcorp
Classification: Uncertain significance for Hereditary cancer-predisposing syndrome. Last evaluated: 2019-11-04. Review status: criteria provided, single submitter. Criteria: Invitae Variant Classification Sherloc (09022015). Collection method: clinical testing. Allele origin: germline.
Comment: This sequence change replaces arginine with glycine at codon 535 of the RAD50 protein (p.Arg535Gly). The arginine residue is moderately conserved and there is a moderate physicochemical difference between arginine and glycine. This variant is not present in population databases (ExAC no frequency). This variant has not been reported in the literature in individuals with RAD50-related conditions. Algorithms developed to predict the effect of missense changes on protein structure and function are either unavailable or do not agree on the potential impact of this missense change (SIFT: "Tolerated"; PolyPhen-2: "Possibly Damaging"; Align-GVGD: "Class C0"). Algorithms developed to predict the effect of sequence changes on RNA splicing suggest that this variant may create or strengthen a splice site, but this prediction has not been confirmed by published transcriptional studies. In summary, the available evidence is currently insufficient to determine the role of this variant in disease. Therefore, it has been classified as a Variant of Uncertain Significance.

NM_005732.4(RAD50):c.1603C>G (p.Arg535Gly)

Gene: RAD50 (RAD50 double strand break repair protein; plus strand). Cytogenetic location: 5q31.1.
Variant type: single nucleotide variant.
Coding change: c.1603C>G on transcript NM_005732.4 (MANE Select); coding-DNA position 1603, C replaced by G.
Protein change: p.Arg535Gly; replaces arginine 535 with glycine.
Molecular consequence: missense variant.
Genome position (GRCh38, 1-based): chr5:132,591,374, C>G. VCF-style: chr5-132591374-C-G. GRCh37 (hg19) VCF-style: chr5-131927066-C-G.
Other names: short protein forms R535G.
Identifiers: ClinVar variation 966825 (VCV000966825.10), dbSNP rs762188153, ClinGen allele CA360946088.